The following is an entry in ClinVar:

ClinVar aggregate classification (germline): Uncertain significance (1 of 4 stars; one submission).

Conditions:
Niemann-Pick disease, type C1. Also called: NIEMANN-PICK DISEASE, VARIANT TYPE C1; NEUROVISCERAL STORAGE DISEASE WITH VERTICAL SUPRANUCLEAR OPHTHALMOPLEGIA; NIEMANN-PICK DISEASE WITH CHOLESTEROL ESTERIFICATION BLOCK; NIEMANN-PICK DISEASE WITHOUT SPHINGOMYELINASE DEFICIENCY; NIEMANN-PICK DISEASE, CHRONIC NEURONOPATHIC FORM. Identifiers: Orphanet 646, MedGen C3179455, MONDO:0009757, OMIM 257220.

Allele frequency attached by ClinVar (database versions not stated): gnomAD exomes 0.00001.
gnomAD v4.1: 9 of 1,606,852 alleles (0.00056%); highest among the groups gnomAD compares: South Asian, 0.0099%; 1 homozygote.

Submission:

Labcorp Genetics (formerly Invitae), Labcorp
Classification: Uncertain significance for Niemann-Pick disease, type C1. Last evaluated: 2022-04-22. Review status: criteria provided, single submitter. Criteria: Invitae Variant Classification Sherloc (09022015). Collection method: clinical testing. Allele origin: germline.
Comment: This sequence change falls in intron 7 of the NPC1 gene. It does not directly change the encoded amino acid sequence of the NPC1 protein. It affects a nucleotide within the consensus splice site. This variant is present in population databases (no rsID available, gnomAD 0.006%). This variant has not been reported in the literature in individuals affected with NPC1-related conditions. Variants that disrupt the consensus splice site are a relatively common cause of aberrant splicing (PMID: 17576681, 9536098). Algorithms developed to predict the effect of sequence changes on RNA splicing suggest that this variant is not likely to affect RNA splicing. In summary, the available evidence is currently insufficient to determine the role of this variant in disease. Therefore, it has been classified as a Variant of Uncertain Significance.

Literature cited by the submitters: PubMed 17576681; PubMed 9536098.

NM_000271.5(NPC1):c.955+4G>A

Gene: NPC1 (NPC intracellular cholesterol transporter 1; minus strand). Cytogenetic location: 18q11.2.
Variant type: single nucleotide variant.
Coding change: c.955+4G>A on transcript NM_000271.5 (MANE Select); 4 bases into the intron after coding-DNA position 955, G replaced by A.
Molecular consequence: intron variant.
Genome position (GRCh38, 1-based): chr18:23,557,113, C>T on the plus strand (G>A on the coding strand, the complement: NPC1 is on the minus strand). VCF-style: chr18-23557113-C-T. GRCh37 (hg19) VCF-style: chr18-21137077-C-T.
Identifiers: ClinVar variation 1909689 (VCV001909689.2), dbSNP rs1449948114, ClinGen allele CA628669905.